The following is an entry in ClinVar:

ClinVar aggregate classification (germline): Conflicting classifications of pathogenicity. Review status: criteria provided, conflicting classifications (1 of 4 stars). 14 submissions from 14 submitters: Uncertain significance (6); Benign (1); Likely benign (5). 2 of the submissions do not count toward it. Last evaluated 2026-01-28.

Conditions:
FANCA-related disorder. Also called: FANCA-related condition.
Inborn genetic diseases. Identifiers: MedGen C0950123, MeSH D030342.
Fanconi anemia (FA). Also called: Fanconi's anemia. Identifiers: Orphanet 84, MedGen C0015625, MeSH D005199, MONDO:0019391.
Fanconi anemia complementation group A (FANCA). Also called: Fanconi anemia, group A; FANCA-Related Fanconi Anemia. Identifiers: Orphanet 84, MedGen C3469521, MONDO:0009215, OMIM 227650.

Allele frequency attached by ClinVar (database versions not stated): ESP Exome Variant Server 0.00015; 1000 Genomes Project 30x 0.00031; 1000 Genomes Project 0.00040; gnomAD 0.00045 and 0.00048; gnomAD exomes 0.00047 and 0.00053; ExAC 0.00054; TOPMed 0.00059.
gnomAD v4.1: 778 of 1,614,148 alleles (0.048%); highest among the groups gnomAD compares: Middle Eastern, 0.099%; no homozygotes.

Submissions (14):

Labcorp Genetics (formerly Invitae), Labcorp
Classification: Benign for Fanconi anemia. Last evaluated: 2026-01-28. Review status: criteria provided, single submitter. Criteria: Invitae Variant Classification Sherloc (09022015). Collection method: clinical testing. Allele origin: germline.

GeneDx
Classification: Uncertain significance. Last evaluated: 2025-08-22. Review status: criteria provided, single submitter. Criteria: GeneDx Variant Classification Process June 2021. Collection method: clinical testing. Allele origin: germline. Affected: yes.
Comment: Identified in the heterozygous state in individuals with breast cancer, but familial segregation information was limited and additional clinical information was not included (PMID: 23021409, 14695169); In silico analysis suggests that this missense variant does not alter protein structure/function; This variant is associated with the following publications: (PMID: 24728327, 14695169, 23021409)

St. Jude Molecular Pathology, St. Jude Children's Research Hospital
Classification: Uncertain significance for Fanconi anemia complementation group A. Last evaluated: 2025-06-17. Review status: criteria provided, single submitter. Criteria: St. Jude Assertion Criteria 2020. Collection method: clinical testing. Allele origin: germline.
Comment: The FANCA c.3427C>G p.(Leu1143Val) missense change has a maximum non-founder subpopulation frequency of 0.070% in gnomAD v2.1.1. The in silico tool REVEL predicts a benign effect on protein function, but to our knowledge this prediction has not been confirmed by functional studies. To our knowledge, this variant has not been reported in individuals with Fanconi anemia. In summary, the evidence currently available is insufficient to determine the role of this variant in Fanconi anemia. It has therefore been classified as of uncertain significance.

Quest Diagnostics Nichols Institute San Juan Capistrano
Classification: Likely benign. Last evaluated: 2025-05-16. Review status: criteria provided, single submitter. Criteria: Quest Diagnostics criteria. Collection method: clinical testing. Allele origin: unknown.

Dasa
Classification: Uncertain significance. Last evaluated: 2025-04-17. Review status: criteria provided, single submitter. Criteria: DASA Assertion Criteria. Collection method: clinical testing. Allele origin: germline.
Comment: NM_000135.4(FANCA):c.3427C>G (p.Leu1143Val) is a missense variant that results in the substitution of leucine with valine. This variant is rare in population databases. Computational prediction algorithms are consistent with a benign effect. The currently available literature and clinical evidence are not sufficient to establish a definitive association between this variant and the reported condition. Therefore, this variant is classified as a variant of uncertain significance.

Blueprint Genetics
Classification: Likely benign. Last evaluated: 2024-11-25. Review status: criteria provided, single submitter. Criteria: ACMG Guidelines, 2015. Collection method: clinical testing. Allele origin: germline.

CeGaT Center for Human Genetics Tuebingen
Classification: Likely benign. Last evaluated: 2024-09-01. Review status: criteria provided, single submitter. Criteria: CeGaT Center For Human Genetics Tuebingen Variant Classification Criteria Version 2. Collection method: clinical testing. Allele origin: germline. Affected: yes. Observed: 4 variant alleles.
Comment: FANCA: BP4

Ambry Genetics
Classification: Likely benign for Inborn genetic diseases. Last evaluated: 2024-04-26. Review status: criteria provided, single submitter. Criteria: Ambry Variant Classification Scheme 2023. Collection method: clinical testing. Allele origin: germline.

Mayo Clinic Laboratories, Mayo Clinic
Classification: Uncertain significance. Last evaluated: 2023-01-17. Review status: criteria provided, single submitter. Criteria: ACMG Guidelines, 2015. Collection method: clinical testing. Allele origin: germline. Observed: 1 variant allele.

Institute for Clinical Genetics, University Hospital TU Dresden, University Hospital TU Dresden
Classification: Uncertain significance. Last evaluated: 2021-11-03. Review status: criteria provided, single submitter. Criteria: ACMG Guidelines, 2015. Collection method: clinical testing. Allele origin: germline.

Sema4
Classification: Likely benign for Fanconi anemia. Last evaluated: 2021-05-14. Review status: criteria provided, single submitter. Criteria: Sema4 Curation Guidelines. Collection method: curation. Allele origin: germline.

Genetic Services Laboratory, University of Chicago
Classification: Uncertain significance. Last evaluated: 2019-06-26. Review status: criteria provided, single submitter. Criteria: ACMG Guidelines, 2015. Collection method: clinical testing. Allele origin: germline. Affected: no.

PreventionGenetics, part of Exact Sciences
Classification: Likely benign for FANCA-related condition. Last evaluated: 2022-03-09. Review status: no assertion criteria provided. Collection method: clinical testing. Allele origin: germline. Not counted in ClinVar's aggregate classification.
Comment: This variant is classified as likely benign based on ACMG/AMP sequence variant interpretation guidelines (Richards et al. 2015 PMID: 25741868, with internal and published modifications).

ITMI
No classification provided. Condition: AllHighlyPenetrant. Last evaluated: 2013-09-19. Review status: no classification provided. Collection method: reference population. Allele origin: germline. Not counted in ClinVar's aggregate classification.
Comment: Please see associated publication for description of ethnicities

Literature cited by the submitters: PubMed 29338072 (cited by Quest Diagnostics Nichols Institute San Juan Capistrano); PubMed 33168809 (cited by Quest Diagnostics Nichols Institute San Juan Capistrano); PubMed 37349538 (cited by Quest Diagnostics Nichols Institute San Juan Capistrano); PubMed 32235514 (cited by Quest Diagnostics Nichols Institute San Juan Capistrano); PubMed 32546565 (cited by Quest Diagnostics Nichols Institute San Juan Capistrano); PubMed 30306255 (cited by Quest Diagnostics Nichols Institute San Juan Capistrano); PubMed 26201965 (cited by Quest Diagnostics Nichols Institute San Juan Capistrano); PubMed 14695169 (cited by Quest Diagnostics Nichols Institute San Juan Capistrano); PubMed 24728327 (cited by Quest Diagnostics Nichols Institute San Juan Capistrano and ITMI); PubMed 23021409 (cited by Quest Diagnostics Nichols Institute San Juan Capistrano and Mayo Clinic Laboratories, Mayo Clinic).

NM_000135.4(FANCA):c.3427C>G (p.Leu1143Val)

Gene: FANCA (FA complementation group A; minus strand). Cytogenetic location: 16q24.3.
Variant type: single nucleotide variant.
Coding change: c.3427C>G on transcript NM_000135.4 (MANE Select); coding-DNA position 3427, C replaced by G.
Protein change: p.Leu1143Val; replaces leucine 1143 with valine.
Molecular consequence: missense variant.
Genome position (GRCh38, 1-based): chr16:89,746,670, G>C on the plus strand (C>G on the coding strand, the complement: FANCA is on the minus strand). VCF-style: chr16-89746670-G-C. GRCh37 (hg19) VCF-style: chr16-89813078-G-C.
Other names: p.Leu1143Val; c.3427C>G (LRG_495t1, NM_000135.3); c.3427C>G, p.Leu1143Val (NM_001286167.3); short protein forms L1143V.
Identifiers: ClinVar variation 134267 (VCV000134267.54), dbSNP rs61753269, ClinGen allele CA159310.
Genomic context (GRCh38, chr16:89,746,670, plus strand): 5'-ATTTCGTCTGGCACTTGGCCAGTATGAAGTCGACCATCAGGGAGGGGTCTCTGCTCCGCA[G>C]ACAGGCGTTCAGGAGGCCCTGCAGGAGAGAACGCAGCAGGAGGTCAGCGGTTTGTGAGGA-3'
Protein context (NP_000126.2, residues 1133-1153): HFFRGLLNAC[Leu1143Val]RSRDPSLMVD